The following is an entry in ClinVar:

NM_080425.4(GNAS):c.2068+323_2068+353del

Gene: GNAS (GNAS complex locus; plus strand). Cytogenetic location: 20q13.32.
Variant type: Deletion.
Coding change: c.2068+323_2068+353del on transcript NM_080425.4 (MANE Plus Clinical); bases 323 to 353 of the intron after coding-DNA position 2068, 31 bases deleted.
Molecular consequence: intron variant.
Genome position (GRCh38, 1-based): chr20:58,855,656-58,855,686, 31 bases deleted; deleting any 31 consecutive bases within chr20:58,855,653-58,855,686 gives the same sequence; the c. name uses the placement nearest the transcript's 3' end. GRCh37 (hg19): chr20:57,430,711-57,430,741.
Other names: c.*42+14770_*42+14800del (NM_016592.5); c.43+14770_43+14800del (NM_001410912.1); c.-39+13781_-39+13811del (NM_001309861.2); c.*1881+323_*1881+353del (NM_001077490.3); c.2068+323_2068+353del (NM_001410913.1); c.*91+12_*91+42del (NM_001309883.1).
Identifiers: ClinVar variation 1695019 (VCV001695019.28), dbSNP rs759240829, ClinGen allele CA9926824.

ClinVar aggregate classification (germline): Likely benign (1 of 4 stars; one submission).

Submission:

CeGaT Center for Human Genetics Tuebingen
Classification: Likely benign. Last evaluated: 2023-11-01. Review status: criteria provided, single submitter. Criteria: CeGaT Center For Human Genetics Tuebingen Variant Classification Criteria Version 2. Collection method: clinical testing. Allele origin: germline. Affected: yes. Observed: 3 variant alleles.
Comment: GNAS: BS1